The following is an entry in ClinVar:

ClinVar aggregate classification (germline): Uncertain significance. Review status: criteria provided, multiple submitters, no conflicts (2 of 4 stars). 2 submissions from 2 submitters: Uncertain significance (2). Last evaluated 2025-08-25.

Conditions:
Gastrointestinal stromal tumor. Also called: Gastrointestinal stromal tumor, somatic; Gastrointestinal stroma tumor. Identifiers: Orphanet 44890, MedGen C0238198, MeSH D046152, MONDO:0011719, OMIM 606764, HP:0100723.
Hereditary cancer-predisposing syndrome. Also called: Neoplastic Syndromes, Hereditary; Tumor predisposition; Hereditary Cancer Syndrome; Hereditary neoplastic syndrome. Identifiers: Orphanet 140162, MedGen C0027672, MeSH D009386, MONDO:0015356.

Allele frequency attached by ClinVar (database versions not stated): TOPMed below 0.00001.

Submissions (2):

Ambry Genetics
Classification: Uncertain significance for Hereditary cancer-predisposing syndrome. Last evaluated: 2025-08-25. Review status: criteria provided, single submitter. Criteria: Ambry Variant Classification Scheme 2023. Collection method: clinical testing. Allele origin: germline.
Comment: The p.G251A variant (also known as c.752G>C), located in coding exon 4 of the PDGFRA gene, results from a G to C substitution at nucleotide position 752. The glycine at codon 251 is replaced by alanine, an amino acid with similar properties. This amino acid position is highly conserved in available vertebrate species. In addition, this alteration is predicted to be deleterious by in silico analysis. Since supporting evidence is limited at this time, the clinical significance of this alteration remains unclear.

Labcorp Genetics (formerly Invitae), Labcorp
Classification: Uncertain significance for Gastrointestinal stromal tumor. Last evaluated: 2025-05-23. Review status: criteria provided, single submitter. Criteria: Invitae Variant Classification Sherloc (09022015). Collection method: clinical testing. Allele origin: germline.
Comment: This sequence change replaces glycine, which is neutral and non-polar, with alanine, which is neutral and non-polar, at codon 251 of the PDGFRA protein (p.Gly251Ala). This variant is not present in population databases (gnomAD no frequency). This variant has not been reported in the literature in individuals affected with PDGFRA-related conditions. ClinVar contains an entry for this variant (Variation ID: 827101). Invitae Evidence Modeling of protein sequence and biophysical properties (such as structural, functional, and spatial information, amino acid conservation, physicochemical variation, residue mobility, and thermodynamic stability) indicates that this missense variant is not expected to disrupt PDGFRA protein function with a negative predictive value of 80%. In summary, the available evidence is currently insufficient to determine the role of this variant in disease. Therefore, it has been classified as a Variant of Uncertain Significance.

NM_006206.6(PDGFRA):c.752G>C (p.Gly251Ala)

Gene: PDGFRA (platelet derived growth factor receptor alpha; plus strand). Cytogenetic location: 4q12.
Variant type: single nucleotide variant.
Coding change: c.752G>C on transcript NM_006206.6 (MANE Select); coding-DNA position 752, G replaced by C.
Protein change: p.Gly251Ala; replaces glycine 251 with alanine.
Molecular consequence: missense variant.
Genome position (GRCh38, 1-based): chr4:54,265,042, G>C. VCF-style: chr4-54265042-G-C. GRCh37 (hg19) VCF-style: chr4-55131209-G-C.
Other names: c.752G>C, p.Gly251Ala (NM_001347827.2, NM_001347829.2); c.827G>C, p.Gly276Ala (NM_001347828.2); c.791G>C, p.Gly264Ala (NM_001347830.2); short protein forms G251A, G264A, G276A.
Identifiers: ClinVar variation 827101 (VCV000827101.15), dbSNP rs771701353, ClinGen allele CA356891021.